The following is an entry in ClinVar:

NM_006343.3(MERTK):c.584-3C>A

Gene: MERTK (MER proto-oncogene, tyrosine kinase; plus strand). Cytogenetic location: 2q13.
Variant type: single nucleotide variant.
Coding change: c.584-3C>A on transcript NM_006343.3 (MANE Select); 3 bases into the intron before coding-DNA position 584, C replaced by A.
Molecular consequence: intron variant.
Genome position (GRCh38, 1-based): chr2:111,947,391, C>A. VCF-style: chr2-111947391-C-A. GRCh37 (hg19) VCF-style: chr2-112704968-C-A.
Identifiers: ClinVar variation 2090076 (VCV002090076.4), dbSNP rs1253872365, ClinGen allele CA2580063749.

ClinVar aggregate classification (germline): Uncertain significance (1 of 4 stars; one submission).

Submission:

Labcorp Genetics (formerly Invitae), Labcorp
Classification: Uncertain significance. Last evaluated: 2022-11-08. Review status: criteria provided, single submitter. Criteria: Invitae Variant Classification Sherloc (09022015). Collection method: clinical testing. Allele origin: germline.
Comment: This sequence change falls in intron 3 of the MERTK gene. It does not directly change the encoded amino acid sequence of the MERTK protein. It affects a nucleotide within the consensus splice site. In summary, the available evidence is currently insufficient to determine the role of this variant in disease. Therefore, it has been classified as a Variant of Uncertain Significance. Variants that disrupt the consensus splice site are a relatively common cause of aberrant splicing (PMID: 17576681, 9536098). Algorithms developed to predict the effect of sequence changes on RNA splicing suggest that this variant may create or strengthen a splice site. This variant has not been reported in the literature in individuals affected with MERTK-related conditions. This variant is not present in population databases (gnomAD no frequency).

Literature cited by the submitters: PubMed 17576681; PubMed 9536098.